The following is an entry in ClinVar:

ClinVar aggregate classification (germline): Uncertain significance. Review status: criteria provided, multiple submitters, no conflicts (2 of 4 stars). 2 submissions from 2 submitters: Uncertain significance (2). Last evaluated 2023-04-03.

Conditions:
Developmental and epileptic encephalopathy, 42 (DEE42A). Also called: DEVELOPMENTAL AND EPILEPTIC ENCEPHALOPATHY 42A; EPILEPTIC ENCEPHALOPATHY, EARLY INFANTILE, 42A; Epileptic encephalopathy, early infantile, 42. Identifiers: MedGen C4310716, MONDO:0014917, OMIM 617106.
Episodic ataxia type 2 (EA2). Also called: EPISODIC ATAXIA, NYSTAGMUS-ASSOCIATED; ACETAZOLAMIDE-RESPONSIVE HEREDITARY PAROXYSMAL CEREBELLAR ATAXIA; ATAXIA, EPISODIC, WITH NYSTAGMUS; ATAXIA, FAMILIAL PAROXYSMAL; CEREBELLAR ATAXIA, PAROXYSMAL, ACETAZOLAMIDE-RESPONSIVE; CEREBELLOPATHY, HEREDITARY PAROXYSMAL. Identifiers: Orphanet 97, MedGen C1720416, MONDO:0007163, OMIM 108500.

Allele frequency attached by ClinVar (database versions not stated): gnomAD exomes 0.00001.
gnomAD v4.1: 7 of 1,613,572 alleles (0.00043%); highest among the groups gnomAD compares: Non-Finnish European, 0.00059%; no homozygotes.

Submissions (2):

GeneDx
Classification: Uncertain significance. Last evaluated: 2023-04-03. Review status: criteria provided, single submitter. Criteria: GeneDx Variant Classification Process June 2021. Collection method: clinical testing. Allele origin: germline. Affected: yes.
Comment: Not observed at significant frequency in large population cohorts (gnomAD); In silico analysis supports that this missense variant has a deleterious effect on protein structure/function; Has not been previously published as pathogenic or benign to our knowledge

Labcorp Genetics (formerly Invitae), Labcorp
Classification: Uncertain significance for Developmental and epileptic encephalopathy, 42; Episodic ataxia type 2. Last evaluated: 2020-02-02. Review status: criteria provided, single submitter. Criteria: Invitae Variant Classification Sherloc (09022015). Collection method: clinical testing. Allele origin: germline.
Comment: This sequence change replaces proline with serine at codon 1082 of the CACNA1A protein (p.Pro1082Ser). The proline residue is moderately conserved and there is a moderate physicochemical difference between proline and serine. This variant is not present in population databases (ExAC no frequency). This variant has not been reported in the literature in individuals with CACNA1A-related conditions. Algorithms developed to predict the effect of missense changes on protein structure and function (SIFT, PolyPhen-2, Align-GVGD) all suggest that this variant is likely to be tolerated, but these predictions have not been confirmed by published functional studies and their clinical significance is uncertain. In summary, the available evidence is currently insufficient to determine the role of this variant in disease. Therefore, it has been classified as a Variant of Uncertain Significance.

NM_001127222.2(CACNA1A):c.3241C>T (p.Pro1081Ser)

Gene: CACNA1A (calcium voltage-gated channel subunit alpha1 A; minus strand). Cytogenetic location: 19p13.13.
Variant type: single nucleotide variant.
Coding change: c.3241C>T on transcript NM_001127222.2 (MANE Select); coding-DNA position 3241, C replaced by T.
Protein change: p.Pro1081Ser; replaces proline 1081 with serine.
Molecular consequence: missense variant.
Genome position (GRCh38, 1-based): chr19:13,286,815, G>A on the plus strand (C>T on the coding strand, the complement: CACNA1A is on the minus strand). VCF-style: chr19-13286815-G-A. GRCh37 (hg19) VCF-style: chr19-13397629-G-A.
Other names: c.3253C>T, p.Pro1085Ser (NM_000068.4, NM_023035.3); c.3244C>T, p.Pro1082Ser (NM_001127221.2, NM_001174080.2); short protein forms P1081S, P1082S, P1085S.
Identifiers: ClinVar variation 1058392 (VCV001058392.11), dbSNP rs1467243087, ClinGen allele CA404341770.